The following is an entry in ClinVar:

NM_025243.4(SLC19A3):c.718A>C (p.Thr240Pro)

Gene: SLC19A3 (solute carrier family 19 member 3; minus strand). Cytogenetic location: 2q36.3.
Variant type: single nucleotide variant.
Coding change: c.718A>C on transcript NM_025243.4 (MANE Select); coding-DNA position 718, A replaced by C.
Protein change: p.Thr240Pro; replaces threonine 240 with proline.
Molecular consequence: missense variant.
Genome position (GRCh38, 1-based): chr2:227,698,997, T>G on the plus strand (A>C on the coding strand, the complement: SLC19A3 is on the minus strand). VCF-style: chr2-227698997-T-G. GRCh37 (hg19) VCF-style: chr2-228563713-T-G.
Other names: c.718A>C, p.Thr240Pro (NM_001371411.1, NM_001371412.1); c.706A>C, p.Thr236Pro (NM_001371413.1, NM_001371414.1); short protein forms T236P, T240P.
Identifiers: ClinVar variation 1803635 (VCV001803635.2), dbSNP rs1695559566, ClinGen allele CA350876627.

ClinVar aggregate classification (germline): Uncertain significance (1 of 4 stars; one submission).

Submission:

GeneDx
Classification: Uncertain significance. Last evaluated: 2026-05-29. Review status: criteria provided, single submitter. Criteria: GeneDx Variant Classification Process June 2021. Collection method: clinical testing. Allele origin: germline.
Comment: Not observed at significant frequency in large population cohorts (gnomAD); In silico analysis suggests that this missense variant does not alter protein structure/function; Has not been previously published as pathogenic or benign to our knowledge